The following is an entry in ClinVar:

ClinVar aggregate classification (germline): Uncertain significance. Review status: criteria provided, multiple submitters, no conflicts (2 of 4 stars). 3 submissions from 3 submitters: Uncertain significance (3). Last evaluated 2024-11-05.

Conditions:
Inborn genetic diseases. Identifiers: MedGen C0950123, MeSH D030342.

Allele frequency attached by ClinVar (database versions not stated): gnomAD 0.00006; gnomAD exomes 0.00006 and 0.00009; ExAC 0.00009; TOPMed 0.00011.

Submissions (3):

Labcorp Genetics (formerly Invitae), Labcorp
Classification: Uncertain significance. Last evaluated: 2024-11-05. Review status: criteria provided, single submitter. Criteria: Invitae Variant Classification Sherloc (09022015). Collection method: clinical testing. Allele origin: germline.
Comment: This sequence change replaces methionine, which is neutral and non-polar, with threonine, which is neutral and polar, at codon 131 of the POC1B protein (p.Met131Thr). This variant is present in population databases (rs780961965, gnomAD 0.01%). This variant has not been reported in the literature in individuals affected with POC1B-related conditions. ClinVar contains an entry for this variant (Variation ID: 1043601). Invitae Evidence Modeling of protein sequence and biophysical properties (such as structural, functional, and spatial information, amino acid conservation, physicochemical variation, residue mobility, and thermodynamic stability) indicates that this missense variant is not expected to disrupt POC1B protein function with a negative predictive value of 80%. In summary, the available evidence is currently insufficient to determine the role of this variant in disease. Therefore, it has been classified as a Variant of Uncertain Significance.

Blueprint Genetics
Classification: Uncertain significance. Last evaluated: 2022-08-23. Review status: criteria provided, single submitter. Criteria: ACMG Guidelines, 2015. Collection method: clinical testing. Allele origin: germline.

Ambry Genetics
Classification: Uncertain significance for Inborn genetic diseases. Last evaluated: 2021-09-15. Review status: criteria provided, single submitter. Criteria: Ambry Variant Classification Scheme 2023. Collection method: clinical testing. Allele origin: germline.

NM_172240.3(POC1B):c.392T>C (p.Met131Thr)

Genes: POC1B (POC1 centriolar protein B; minus strand), POC1B-DUSP6 (POC1B-DUSP6 readthrough; minus strand). Cytogenetic location: 12q21.33.
Variant type: single nucleotide variant.
Coding change: c.392T>C on transcript NM_172240.3 (MANE Select); coding-DNA position 392, T replaced by C.
Protein change: p.Met131Thr; replaces methionine 131 with threonine.
Molecular consequence: missense variant. On other transcripts: non-coding transcript variant (2).
Genome position (GRCh38, 1-based): chr12:89,491,996, A>G on the plus strand (T>C on the coding strand, the complement: POC1B is on the minus strand). VCF-style: chr12-89491996-A-G. GRCh37 (hg19) VCF-style: chr12-89885773-A-G.
Other names: c.266T>C, p.Met89Thr (NM_001199777.2); c.392T>C (NM_172240.2); short protein forms M89T, M131T.
Identifiers: ClinVar variation 1043601 (VCV001043601.6), dbSNP rs780961965, ClinGen allele CA6714529.
Genomic context (GRCh38, chr12:89,491,996, plus strand): 5'-TTGGCACAGCGTACCCAGTGTGTATGTCGATACAAGGAATACAGGAAGCGCTGGCGATAC[A>G]TGCTCCATACTTTTATGGATTTGTCTTCAGAAGCTGTAGCTAGAAACTGGCCATCAGCTG-3'
Protein context (NP_758440.1, residues 121-141): SEDKSIKVWS[Met131Thr]YRQRFLYSLY